The following is an entry in ClinVar:

NM_003640.5(ELP1):c.1735T>A (p.Phe579Ile)

Gene: ELP1 (elongator acetyltransferase complex subunit 1; minus strand). Cytogenetic location: 9q31.3.
Variant type: single nucleotide variant.
Coding change: c.1735T>A on transcript NM_003640.5 (MANE Select); coding-DNA position 1735, T replaced by A.
Protein change: p.Phe579Ile; replaces phenylalanine 579 with isoleucine.
Molecular consequence: missense variant.
Genome position (GRCh38, 1-based): chr9:108,903,578, A>T on the plus strand (T>A on the coding strand, the complement: ELP1 is on the minus strand). VCF-style: chr9-108903578-A-T. GRCh37 (hg19) VCF-style: chr9-111665858-A-T.
Other names: c.1393T>A, p.Phe465Ile (NM_001318360.2); c.688T>A, p.Phe230Ile (NM_001330749.2); short protein forms F230I, F465I, F579I.
Identifiers: ClinVar variation 841753 (VCV000841753.8), dbSNP rs199555804, ClinGen allele CA5174921.
Genomic context (GRCh38, chr9:108,903,578, plus strand): 5'-ATCTATGTAAGTCATAACATGCTTTCCTAACACCTTGATACTCACCCCAAAGGTACTTAA[A>T]TATCTGGCCATCAGCCAGCTGTAATACTACTGACTTGGTCTTGGAATTGCAACATAGACT-3'
Protein context (NP_003631.2, residues 569-589): VVLQLADGQI[Phe579Ile]KYLWESPSLA

ClinVar aggregate classification (germline): Uncertain significance. Review status: criteria provided, multiple submitters, no conflicts (2 of 4 stars). 3 submissions from 3 submitters: Uncertain significance (2). 1 of the submissions does not count toward it. Last evaluated 2022-03-05.

Conditions:
Familial dysautonomia. Also called: HSAN III; FD. Identifiers: Orphanet 1764, MedGen C0013364, MONDO:0009131, OMIM 223900. Disease mechanism: loss of function.

Allele frequency attached by ClinVar (database versions not stated): TOPMed 0.00001.

Submissions (3):

Labcorp Genetics (formerly Invitae), Labcorp
Classification: Uncertain significance. Last evaluated: 2022-03-05. Review status: criteria provided, single submitter. Criteria: Invitae Variant Classification Sherloc (09022015). Collection method: clinical testing. Allele origin: germline.
Comment: This sequence change replaces phenylalanine, which is neutral and non-polar, with isoleucine, which is neutral and non-polar, at codon 579 of the ELP1 protein (p.Phe579Ile). This variant is present in population databases (rs199555804, gnomAD 0.004%). This variant has not been reported in the literature in individuals affected with ELP1-related conditions. ClinVar contains an entry for this variant (Variation ID: 841753). Algorithms developed to predict the effect of missense changes on protein structure and function (SIFT, PolyPhen-2, Align-GVGD) all suggest that this variant is likely to be tolerated. In summary, the available evidence is currently insufficient to determine the role of this variant in disease. Therefore, it has been classified as a Variant of Uncertain Significance.

Ambry Genetics
Classification: Uncertain significance. Last evaluated: 2021-10-06. Review status: criteria provided, single submitter. Criteria: Ambry Variant Classification Scheme 2023. Collection method: clinical testing. Allele origin: germline.
Comment: The p.F579I variant (also known as c.1735T>A), located in coding exon 14 of the IKBKAP gene, results from a T to A substitution at nucleotide position 1735. The phenylalanine at codon 579 is replaced by isoleucine, an amino acid with highly similar properties. This amino acid position is conserved. In addition, this alteration is predicted to be tolerated by in silico analysis. Since supporting evidence is limited at this time, the clinical significance of this alteration remains unclear.

Natera, Inc.
Classification: Uncertain significance for Familial dysautonomia. Last evaluated: 2020-02-24. Review status: no assertion criteria provided. Collection method: clinical testing. Allele origin: germline. Not counted in ClinVar's aggregate classification.